The following is an entry in ClinVar:

NM_000439.5(PCSK1):c.1287T>A (p.Asn429Lys)

Genes: CAST (calpastatin; plus strand), PCSK1 (proprotein convertase subtilisin/kexin type 1; minus strand), LOC101929710 (uncharacterized LOC101929710; plus strand). Cytogenetic location: 5q15.
Variant type: single nucleotide variant.
Coding change: c.1287T>A on transcript NM_000439.5 (MANE Select); coding-DNA position 1287, T replaced by A.
Protein change: p.Asn429Lys; replaces asparagine 429 with lysine.
Molecular consequence: missense variant. On other transcripts: intron variant (11).
Genome position (GRCh38, 1-based): chr5:96,400,096, A>T on the plus strand (T>A on the coding strand, the complement: PCSK1 is on the minus strand). VCF-style: chr5-96400096-A-T. GRCh37 (hg19) VCF-style: chr5-95735800-A-T.
Other names: c.1146T>A, p.Asn382Lys (NM_001177875.2); c.-175+20444A>T (NM_001423254.1, NM_001423259.1, NM_001423255.1 and 6 more transcripts); c.-103+20444A>T (NM_001423253.1); c.-40+20444A>T (NM_001423258.1); short protein forms N382K, N429K.
Identifiers: ClinVar variation 2662474 (VCV002662474.1), dbSNP rs1269967613, ClinGen allele CA360479681.

ClinVar aggregate classification (germline): Uncertain significance (1 of 4 stars; one submission).

Allele frequency attached by ClinVar (database versions not stated): TOPMed 0.00001.

Submission:

GeneDx
Classification: Uncertain significance. Last evaluated: 2023-04-06. Review status: criteria provided, single submitter. Criteria: GeneDx Variant Classification Process June 2021. Collection method: clinical testing. Allele origin: germline. Affected: yes.
Comment: Not observed at significant frequency in large population cohorts (gnomAD); In silico analysis supports that this missense variant has a deleterious effect on protein structure/function; Has not been previously published as pathogenic or benign to our knowledge